The following is an entry in ClinVar:

NM_030662.4(MAP2K2):c.247G>A (p.Gly83Ser)

Gene: MAP2K2 (mitogen-activated protein kinase kinase 2; minus strand). Cytogenetic location: 19p13.3.
Variant type: single nucleotide variant.
Coding change: c.247G>A on transcript NM_030662.4 (MANE Select); coding-DNA position 247, G replaced by A.
Protein change: p.Gly83Ser; replaces glycine 83 with serine.
Molecular consequence: missense variant.
Genome position (GRCh38, 1-based): chr19:4,117,475, C>T on the plus strand (G>A on the coding strand, the complement: MAP2K2 is on the minus strand). VCF-style: chr19-4117475-C-T. GRCh37 (hg19) VCF-style: chr19-4117473-C-T.
Other names: short protein forms G83S.
Identifiers: ClinVar variation 372943 (VCV000372943.9), dbSNP rs765755554, ClinGen allele CA9091069.

ClinVar aggregate classification (germline): Uncertain significance. Review status: criteria provided, multiple submitters, no conflicts (2 of 4 stars). 4 submissions from 4 submitters: Uncertain significance (4). Last evaluated 2025-06-20.

Conditions:
Cardiofaciocutaneous syndrome 4 (CFC4). Also called: MAP2K2-Related Cardiofaciocutaneous Syndrome. Identifiers: Orphanet 1340, MedGen C3809007, MONDO:0014114, OMIM 615280.
RASopathy. Also called: rasopathies; Noonan spectrum disorder. Identifiers: Orphanet 536391, MedGen C5555857, MONDO:0021060.

Allele frequency attached by ClinVar (database versions not stated): TOPMed 0.00002; gnomAD exomes 0.00001 and 0.00003; gnomAD 0.00001; ExAC 0.00002.
gnomAD v4.1: 38 of 1,614,026 alleles (0.0024%); highest among the groups gnomAD compares: Middle Eastern, 0.016%; no homozygotes.

Submissions (4):

Labcorp Genetics (formerly Invitae), Labcorp
Classification: Uncertain significance for RASopathy. Last evaluated: 2025-06-20. Review status: criteria provided, single submitter. Criteria: Invitae Variant Classification Sherloc (09022015). Collection method: clinical testing. Allele origin: germline.
Comment: This sequence change replaces glycine, which is neutral and non-polar, with serine, which is neutral and polar, at codon 83 of the MAP2K2 protein (p.Gly83Ser). This variant is present in population databases (rs765755554, gnomAD 0.003%). This variant has not been reported in the literature in individuals affected with MAP2K2-related conditions. ClinVar contains an entry for this variant (Variation ID: 372943). Invitae Evidence Modeling incorporating data from in vitro experimental studies (internal data) indicates that this missense variant is not expected to disrupt MAP2K2 function with a negative predictive value of 95%. In summary, the available evidence is currently insufficient to determine the role of this variant in disease. Therefore, it has been classified as a Variant of Uncertain Significance.

Fulgent Genetics
Classification: Uncertain significance for Cardiofaciocutaneous syndrome 4. Last evaluated: 2024-02-13. Review status: criteria provided, single submitter. Criteria: ACMG Guidelines, 2015. Collection method: clinical testing. Allele origin: germline.

AiLife Diagnostics
Classification: Uncertain significance. Last evaluated: 2022-02-21. Review status: criteria provided, single submitter. Criteria: ACMG Guidelines, 2015. Collection method: clinical testing. Allele origin: germline. Affected: yes. Observed: 1 variant allele.

GeneDx
Classification: Uncertain significance. Last evaluated: 2016-05-27. Review status: criteria provided, single submitter. Criteria: GeneDx Variant Classification (06012015). Collection method: clinical testing. Allele origin: germline. Affected: yes.
Comment: The G83S variant has not been published as a pathogenic variant, nor has it been reported as a benign variant to our knowledge. The G83S variant was not observed in approximately 6,500 individuals of European and African American ancestry in the NHLBI Exome Sequencing Project, indicating it is not a common benign variant in these populations. The G83S variant, which is within the protein kinase domain and an ATP binding site, is a non-conservative amino acid substitution, which is likely to impact secondary protein structure as these residues differ in polarity, charge, size and/or other properties. This substitution occurs at a position that is conserved across species. In silico analysis predicts this variant is probably damaging to the protein structure/function.Therefore, additional evidence is needed to determine whether this variant is pathogenic or benign

Literature cited by the submitters: PubMed 29625052 (cited by AiLife Diagnostics).